The following is an entry in ClinVar:

ClinVar aggregate classification (germline): Likely pathogenic. Review status: reviewed by expert panel (3 of 4 stars). 5 submissions from 5 submitters: Likely pathogenic (1). 4 of the submissions do not count toward it. Last evaluated 2019-04-09.

Conditions:
Phenylketonuria (PKU). Also called: Phenylketonuria (PKU); FOLLING DISEASE; OLIGOPHRENIA PHENYLPYRUVICA; Phenylketonurias. Identifiers: Orphanet 716, MedGen C0031485, MONDO:0009861, OMIM 261600. Disease mechanism: loss of function.

Submissions (5):

ClinGen PAH Variant Curation Expert Panel
Classification: Likely pathogenic for Phenylketonuria. Last evaluated: 2019-04-09. Review status: reviewed by expert panel. Criteria: ClinGen PAH ACMG Specifications v1. Collection method: curation. Allele origin: germline. Inheritance: Autosomal recessive inheritance.
Comment: The c.440C>T (p.Pro147Leu) variant in PAH has been reported in multiple individuals with mild PKU (BH4 deficiency excluded). (PP4_Moderate; PMID: 27121329, 26322415, 16527067, 30050108, 28982351). This variant is absent in population databases (PM2). This variant was detected in trans with known pathogenic variants p.R261Ter (PMID: 27121329); c.611A>G (PMID: 30050108); p.S70del (PMID: 28982351) (PM3_strong). Computational evidence supports a deleterious effect (PP3). In summary, this variant meets criteria to be classified as likely pathogenic for PAH. PAH-specific ACMG/AMP criteria applied: PP4_Moderate, PM2, PM3_strong, PP3.

Labcorp Genetics (formerly Invitae), Labcorp
Classification: Pathogenic for Phenylketonuria. Last evaluated: 2024-01-29. Review status: criteria provided, single submitter. Criteria: Invitae Variant Classification Sherloc (09022015). Collection method: clinical testing. Allele origin: germline. Not counted in ClinVar's aggregate classification.
Comment: This sequence change replaces proline, which is neutral and non-polar, with leucine, which is neutral and non-polar, at codon 147 of the PAH protein (p.Pro147Leu). This variant is not present in population databases (gnomAD no frequency). This missense change has been observed in individual(s) with hyperphenylalaninemia (PMID: 26322415, 27121329, 31355225). ClinVar contains an entry for this variant (Variation ID: 102670). An algorithm developed to predict the effect of missense changes on protein structure and function (PolyPhen-2) suggests that this variant is likely to be disruptive. This variant disrupts the p.Pro147 amino acid residue in PAH. Other variant(s) that disrupt this residue have been determined to be pathogenic (PMID: 10598814, 27121329). This suggests that this residue is clinically significant, and that variants that disrupt this residue are likely to be disease-causing. For these reasons, this variant has been classified as Pathogenic.

Eurofins Ntd Llc (ga)
Classification: Pathogenic. Last evaluated: 2017-06-16. Review status: criteria provided, single submitter. Criteria: EGL Classification Definitions 2015. Collection method: clinical testing. Allele origin: germline. Observed: 1 variant allele, 1 heterozygote. Not counted in ClinVar's aggregate classification.

Counsyl
Classification: Likely pathogenic for Phenylketonuria. Last evaluated: 2018-05-21. Review status: no assertion criteria provided. Collection method: clinical testing. Allele origin: unknown. Not counted in ClinVar's aggregate classification.

DeBelle Laboratory for Biochemical Genetics, MUHC/MCH RESEARCH INSTITUTE
No classification provided. Review status: no classification provided. Collection method: not provided. Allele origin: not provided. Not counted in ClinVar's aggregate classification.

Literature cited by the submitters: PubMed 30050108 (cited by ClinGen PAH Variant Curation Expert Panel); PubMed 28982351 (cited by ClinGen PAH Variant Curation Expert Panel and Counsyl); PubMed 27121329 (cited by 3 submitters); PubMed 26322415 (cited by 3 submitters); PubMed 26503515 (cited by 3 submitters); PubMed 31355225 (cited by Labcorp Genetics (formerly Invitae), Labcorp); PubMed 10598814 (cited by Labcorp Genetics (formerly Invitae), Labcorp); PubMed 25456745 (cited by Counsyl).

NM_000277.3(PAH):c.440C>T (p.Pro147Leu)

Gene: PAH (phenylalanine hydroxylase; minus strand). Cytogenetic location: 12q23.2.
Variant type: single nucleotide variant.
Coding change: c.440C>T on transcript NM_000277.3 (MANE Select); coding-DNA position 440, C replaced by T.
Protein change: p.Pro147Leu; replaces proline 147 with leucine.
Molecular consequence: missense variant.
Genome position (GRCh38, 1-based): chr12:102,877,463, G>A on the plus strand (C>T on the coding strand, the complement: PAH is on the minus strand). VCF-style: chr12-102877463-G-A. GRCh37 (hg19) VCF-style: chr12-103271241-G-A.
Other names: c.440C>T, p.Pro147Leu (NM_001354304.2); short protein forms P147L.
Identifiers: ClinVar variation 102670 (VCV000102670.10), dbSNP rs199475694, ClinGen allele CA229543.
Genomic context (GRCh38, chr12:102,877,463, plus strand): 5'-AGGGAGGGGAGTGGAGGAGAGGCACTGAAAAAATCTCATCCTACGGGCCATGGACTCACA[G>A]GGTGGTCAGCATCCAGTTCCGCTCCATAGCTGAGAATCTGATTGGCAAATCTGTCCAGCT-3'
Protein context (NP_000268.1, residues 137-157): SYGAELDADH[Pro147Leu]GFKDPVYRAR